The following is an entry in ClinVar:

ClinVar aggregate classification (germline): Uncertain significance (1 of 4 stars; one submission).

gnomAD v4.1: 1 of 1,613,842 alleles (0.000062%); highest among the groups gnomAD compares: Non-Finnish European, 0.000085%; no homozygotes.

Submission:

Dasa
Classification: Uncertain significance. Last evaluated: 2025-06-04. Review status: criteria provided, single submitter. Criteria: DASA Assertion Criteria. Collection method: clinical testing. Allele origin: germline.
Comment: NM_001330260.2(SCN8A):c.5713G>T (p.Ala1905Ser) is a missense variant that results in the substitution of alanine with serine. This variant is rare in population databases. Computational prediction algorithms are consistent with a benign effect. The currently available literature and clinical evidence are not sufficient to establish a definitive association between this variant and the reported condition. Therefore, this variant is classified as a variant of uncertain significance.

NM_001330260.2(SCN8A):c.5713G>T (p.Ala1905Ser)

Gene: SCN8A (sodium voltage-gated channel alpha subunit 8; plus strand). Cytogenetic location: 12q13.13.
Variant type: single nucleotide variant.
Coding change: c.5713G>T on transcript NM_001330260.2 (MANE Select); coding-DNA position 5713, G replaced by T.
Protein change: p.Ala1905Ser; replaces alanine 1905 with serine.
Molecular consequence: missense variant.
Genome position (GRCh38, 1-based): chr12:51,807,199, G>T. VCF-style: chr12-51807199-G-T. GRCh37 (hg19) VCF-style: chr12-52200983-G-T.
Other names: c.5590G>T, p.Ala1864Ser (NM_001177984.3, NM_001369788.1); c.5713G>T, p.Ala1905Ser (NM_014191.4); short protein forms A1864S, A1905S.
Identifiers: ClinVar variation 4885754 (VCV004885754.2).